The following is an entry in ClinVar:

ClinVar aggregate classification (germline): Uncertain significance. Review status: criteria provided, multiple submitters, no conflicts (2 of 4 stars). 3 submissions from 2 submitters: Uncertain significance (2). 1 of the submissions does not count toward it. Last evaluated 2025-08-25.

Conditions:
Microangiopathy and leukoencephalopathy, pontine, autosomal dominant. Also called: DEMENTIA, HEREDITARY MULTI-INFARCT, SWEDISH TYPE; Pontine autosomal dominant microangiopathy with leukoencephalopathy. Identifiers: Orphanet 477749, MedGen C5231411, MONDO:0032814, OMIM 618564.
Brain small vessel disease 1 with or without ocular anomalies (BSVD1). Also called: Brain small vessel disease with or without ocular anomalies; PORENCEPHALY, TYPE 1, AUTOSOMAL DOMINANT; GOULD SYNDROME 1; BRAIN SMALL VESSEL DISEASE WITH HEMORRHAGE. Identifiers: Orphanet 2940, Orphanet 36383, Orphanet 99810, MedGen C4755307, MONDO:0008289, OMIM 175780.
COL4A1-related disorder. Also called: COL4A1-related disorders; COL4A1-related condition. Identifiers: MedGen CN376119, MONDO:0800461.

Submissions (3):

Daryl Scott Lab, Baylor College of Medicine
Classification: Uncertain significance for COL4A1-related disorder. Last evaluated: 2025-08-25. Review status: criteria provided, single submitter. Criteria: ACMG Guidelines, 2015. Collection method: clinical testing. Allele origin: de novo. Affected: yes. Observed: 1 heterozygote.
Comment: PS2, PM2, PP3

Baylor Genetics
Classification: Uncertain significance for Brain small vessel disease 1 with or without ocular anomalies. Last evaluated: 2017-09-01. Review status: criteria provided, single submitter. Criteria: ACMG Guidelines, 2015. Collection method: clinical testing. Allele origin: de novo. Inheritance: Autosomal dominant inheritance. Affected: yes.

Baylor Genetics
Classification: Pathogenic for Microangiopathy and leukoencephalopathy, pontine, autosomal dominant. Review status: no assertion criteria provided. Collection method: clinical testing. Allele origin: unknown. Not counted in ClinVar's aggregate classification.

Literature cited by the submitters: PubMed 25326635 (cited by Baylor Genetics).

NM_001845.6(COL4A1):c.3353G>A (p.Gly1118Asp)

Gene: COL4A1 (collagen type IV alpha 1 chain; minus strand). Cytogenetic location: 13q34.
Variant type: single nucleotide variant.
Coding change: c.3353G>A on transcript NM_001845.6 (MANE Select); coding-DNA position 3353, G replaced by A.
Protein change: p.Gly1118Asp; replaces glycine 1118 with aspartic acid.
Molecular consequence: missense variant.
Genome position (GRCh38, 1-based): chr13:110,174,499, C>T on the plus strand (G>A on the coding strand, the complement: COL4A1 is on the minus strand). VCF-style: chr13-110174499-C-T. GRCh37 (hg19) VCF-style: chr13-110826846-C-T.
Other names: short protein forms G1118D.
Identifiers: ClinVar variation 560984 (VCV000560984.6), dbSNP rs1566349690, ClinGen allele CA388664427.